The following is an entry in ClinVar:

NM_001009944.3(PKD1):c.6164T>C (p.Leu2055Pro)

Gene: PKD1 (polycystin 1, transient receptor potential channel interacting; minus strand). Cytogenetic location: 16p13.3.
Variant type: single nucleotide variant.
Coding change: c.6164T>C on transcript NM_001009944.3 (MANE Select); coding-DNA position 6164, T replaced by C.
Protein change: p.Leu2055Pro; replaces leucine 2055 with proline.
Molecular consequence: missense variant.
Genome position (GRCh38, 1-based): chr16:2,109,003, A>G on the plus strand (T>C on the coding strand, the complement: PKD1 is on the minus strand). VCF-style: chr16-2109003-A-G. GRCh37 (hg19) VCF-style: chr16-2159004-A-G.
Other names: c.6164T>C, p.Leu2055Pro (NM_000296.4); short protein forms L2055P.
Identifiers: ClinVar variation 5005532 (VCV005005532.2).

ClinVar aggregate classification (germline): Uncertain significance (1 of 4 stars; one submission).

Conditions:
Polycystic kidney disease, adult type (PKD1). Also called: POLYCYSTIC KIDNEY DISEASE, ADULT, TYPE I; Polycystic Kidney, Autosomal Dominant; Polycystic Kidney Disease 1, Autosomal Dominant; Polycystic kidney disease 1; Polycystic kidney disease 1, severe; POLYCYSTIC KIDNEY DISEASE 1 WITH OR WITHOUT POLYCYSTIC LIVER DISEASE. Identifiers: MedGen C3149841, MONDO:0008263, OMIM 173900.

Submission:

Juno Genomics, Hangzhou Juno Genomics, Inc
Classification: Uncertain significance for Polycystic kidney disease, adult type. Review status: criteria provided, single submitter. Criteria: ACMG Guidelines, 2015. Collection method: clinical testing. Allele origin: germline.
Comment: Absent from controls (or at extremely low frequency if recessive) in Genome Aggregation Database.;The prevalence of the variant in affected individuals is significantly increased compared to the prevalence in controls.;Patient's phenotype or family history is highly specific for a disease with a single genetic etiology.